The following is an entry in ClinVar:

NM_000051.4(ATM):c.2428A>G (p.Lys810Glu)

Gene: ATM (ATM serine/threonine kinase; plus strand). Cytogenetic location: 11q22.3.
Variant type: single nucleotide variant.
Coding change: c.2428A>G on transcript NM_000051.4 (MANE Select); coding-DNA position 2428, A replaced by G.
Protein change: p.Lys810Glu; replaces lysine 810 with glutamic acid.
Molecular consequence: missense variant.
Genome position (GRCh38, 1-based): chr11:108,259,037, A>G. VCF-style: chr11-108259037-A-G. GRCh37 (hg19) VCF-style: chr11-108129764-A-G.
Other names: c.2428A>G, p.Lys810Glu (NM_001351834.2); short protein forms K810E.
Identifiers: ClinVar variation 231500 (VCV000231500.28), dbSNP rs201909756, ClinGen allele CA6265021.

ClinVar aggregate classification (germline): Uncertain significance. Review status: criteria provided, multiple submitters, no conflicts (2 of 4 stars). 8 submissions from 8 submitters: Uncertain significance (6). 2 of the submissions do not count toward it. Last evaluated 2026-01-27.

Conditions:
Ataxia-telangiectasia syndrome (AT). Also called: Ataxia telangiectasia (A-T); Ataxia-telangiectasia, complementation group E; LOUIS-BAR SYNDROME; Cerebello-oculocutaneous telangiectasia; Immunodeficiency with ataxia telangiectasia; Ataxia-telangiectasia, complementation group D. Identifiers: Orphanet 100, MedGen C0004135, MONDO:0008840, OMIM 208900.
Hereditary cancer-predisposing syndrome. Also called: Hereditary Cancer Syndrome; Neoplastic Syndromes, Hereditary; Tumor predisposition; Hereditary neoplastic syndrome. Identifiers: Orphanet 140162, MedGen C0027672, MeSH D009386, MONDO:0015356.
Familial cancer of breast. Also called: Hereditary breast cancer; hereditary breast carcinoma; BREAST CANCER, FAMILIAL. Identifiers: Orphanet 227535, MedGen C0346153, MONDO:0016419, OMIM 114480. Disease mechanism: loss of function.

Allele frequency attached by ClinVar (database versions not stated): TOPMed below 0.00001; ExAC 0.00001; gnomAD 0.00001 and 0.00002; gnomAD exomes 0.00001; 1000 Genomes Project 30x 0.00016; 1000 Genomes Project 0.00020.
gnomAD v4.1: 15 of 1,613,842 alleles (0.00093%); highest among the groups gnomAD compares: African/African-American, 0.0053%; no homozygotes.

Submissions (8):

Labcorp Genetics (formerly Invitae), Labcorp
Classification: Uncertain significance for Ataxia-telangiectasia syndrome. Last evaluated: 2026-01-27. Review status: criteria provided, single submitter. Criteria: Invitae Variant Classification Sherloc (09022015). Collection method: clinical testing. Allele origin: germline.
Comment: This sequence change replaces lysine, which is basic and polar, with glutamic acid, which is acidic and polar, at codon 810 of the ATM protein (p.Lys810Glu). This variant is present in population databases (rs201909756, gnomAD 0.004%). This missense change has been observed in individual(s) with colorectal cancer (PMID: 28135145). ClinVar contains an entry for this variant (Variation ID: 231500). Invitae Evidence Modeling of protein sequence and biophysical properties (such as structural, functional, and spatial information, amino acid conservation, physicochemical variation, residue mobility, and thermodynamic stability) indicates that this missense variant is not expected to disrupt ATM protein function with a negative predictive value of 95%. In summary, the available evidence is currently insufficient to determine the role of this variant in disease. Therefore, it has been classified as a Variant of Uncertain Significance.

Ambry Genetics
Classification: Uncertain significance for Hereditary cancer-predisposing syndrome. Last evaluated: 2025-04-15. Review status: criteria provided, single submitter. Criteria: Ambry Variant Classification Scheme 2023. Collection method: clinical testing. Allele origin: germline.
Comment: The p.K810E variant (also known as c.2428A>G), located in coding exon 15 of the ATM gene, results from an A to G substitution at nucleotide position 2428. The lysine at codon 810 is replaced by glutamic acid, an amino acid with similar properties. This amino acid position is highly conserved in available vertebrate species. In addition, the in silico prediction for this alteration is inconclusive. Since supporting evidence is limited at this time, the clinical significance of this alteration remains unclear.

Color Diagnostics, LLC DBA Color Health
Classification: Uncertain significance for Hereditary cancer-predisposing syndrome. Last evaluated: 2025-02-24. Review status: criteria provided, single submitter. Criteria: ACMG Guidelines, 2015. Collection method: clinical testing. Allele origin: germline.
Comment: This missense variant replaces lysine with glutamic acid at codon 810 of the ATM protein. Computational prediction suggests that this variant may not impact protein structure and function. To our knowledge, functional studies have not been reported for this variant. This variant has been reported in an individual affected with colorectal cancer (PMID: 28135145). This variant has been identified in 4/282606 chromosomes in the general population by the Genome Aggregation Database (gnomAD). The available evidence is insufficient to determine the role of this variant in disease conclusively. Therefore, this variant is classified as a Variant of Uncertain Significance.

Molecular Diagnostics Laboratory, Catalan Institute of Oncology
Classification: Uncertain significance for Hereditary cancer-predisposing syndrome. Last evaluated: 2024-12-04. Review status: criteria provided, single submitter. Criteria: ClinGen ACMG Specifications ATM V1.1.0. Collection method: clinical testing. Allele origin: germline.
Comment: PM2_Supporting c.2428A>G located in exon 16 of the ATM gene, is predicted to result in the substitution of lysine by glutamic acid at codon 810, p.(Lys810Glu). This variant is found in 2/118102 at a filtering allele frequency of 0.0003% in the gnomAD v2.1.1 database European (non-Finnish) non-cancer data set (PM2_Supporting). The SpliceAI algorithm predicts no significant impact on splicing and the REVEL meta-predictor score for this variant (0.314) is indeterminate regarding the effect that it may have on protein function. To our knowledge, functional studies have not been reported for this variant. In addition, the variant was also identified in the ClinVar database (7x uncertain significance) but is not present in LOVD database. Based on currently available information, the variant c.2428A>G is classified as an uncertain significance variant according to ClinGen-ATM Guidelines version v1.1.

Baylor Genetics
Classification: Uncertain significance for Familial cancer of breast. Last evaluated: 2023-04-16. Review status: criteria provided, single submitter. Criteria: ACMG Guidelines, 2015. Collection method: clinical testing. Allele origin: unknown.

GeneDx
Classification: Uncertain significance. Last evaluated: 2022-04-26. Review status: criteria provided, single submitter. Criteria: GeneDx Variant Classification Process June 2021. Collection method: clinical testing. Allele origin: germline. Affected: yes.
Comment: Not observed at significant frequency in large population cohorts (gnomAD); In silico analysis supports that this missense variant does not alter protein structure/function; Variant has been observed in an individual with colorectal cancer and also in unaffected controls (Yurgelun 2017, Momozawa 2018); This variant is associated with the following publications: (PMID: 28135145, 30287823)

Natera, Inc.
Classification: Uncertain significance for Ataxia-telangiectasia. Last evaluated: 2021-07-19. Review status: no assertion criteria provided. Collection method: clinical testing. Allele origin: germline. Not counted in ClinVar's aggregate classification.

Counsyl
Classification: Uncertain significance for Ataxia-telangiectasia syndrome. Last evaluated: 2018-05-14. Review status: no assertion criteria provided. Collection method: clinical testing. Allele origin: unknown. Not counted in ClinVar's aggregate classification.

Literature cited by the submitters: PubMed 28135145 (cited by Labcorp Genetics (formerly Invitae), Labcorp and Color Diagnostics, LLC DBA Color Health).